The following is an entry in ClinVar:

ClinVar aggregate classification (germline): Pathogenic (1 of 4 stars; one submission).

Conditions:
Intellectual disability. Also called: Intellectual functioning disability; intellectual disabilities; Intellectual developmental disorder. Identifiers: MedGen C3714756, MeSH D008607, MONDO:0001071, HP:0001249.

Submission:

Cytogénomique, Hospices Civils de Lyon
Classification: Pathogenic for Intellectual disability. Last evaluated: 2021-05-06. Review status: criteria provided, single submitter. Criteria: ACMG Guidelines, 2015. Collection method: clinical testing. Allele origin: de novo. Inheritance: Sporadic. Affected: yes.
Comment: de novo truncating variant absent from gnomAD

NM_001372044.2(SHANK3):c.5011_5012del (p.Gly1671fs)

Gene: SHANK3 (SH3 and multiple ankyrin repeat domains 3; plus strand). Cytogenetic location: 22q13.33.
Variant type: Deletion.
Coding change: c.5011_5012del on transcript NM_001372044.2 (MANE Select); coding-DNA positions 5011 to 5012, 2 bases deleted (GG; older notation c.5011_5012delGG).
Protein change: p.Gly1671fs; shifts the reading frame from glycine 1671.
Molecular consequence: frameshift variant.
Genome position (GRCh38, 1-based): chr22:50,730,902-50,730,903, GG deleted; deleting any 2 consecutive bases within chr22:50,730,898-50,730,903 gives the same sequence; the c. name uses the placement nearest the transcript's 3' end. VCF-style (leftmost placement, unchanged base first): chr22-50730897-CGG-C. GRCh37 (hg19) VCF-style: chr22-51169325-CGG-C.
Other names: c.4786_4787del (NM_033517.1); short protein forms G1671fs.
Identifiers: ClinVar variation 1065627 (VCV001065627.2), dbSNP rs1385882031, ClinGen allele CA2499226246.
Genomic context (GRCh38, chr22:50,730,897, plus strand): 5'-GCGCCCCGAGCCCGGTGAAGCCCGCGTCGCTGGAGCGGGTGGAGGGGCTGGGGGCGGGCG[CGG>C]GGGGCGCAGGGCGGCCCTTCGGCCTCACGCCCCCCACCATCCTCAAGTCGTCCAGCCTCT-3'